The following is an entry in ClinVar:

ClinVar aggregate classification (germline): Uncertain significance (1 of 4 stars; one submission).

Conditions:
Hereditary breast ovarian cancer syndrome. Also called: Hereditary breast and ovarian cancer syndrome; Hereditary breast and ovarian cancer syndrome (HBOC); BRCA1- and BRCA2-Associated Hereditary Breast and Ovarian Cancer; Hereditary breast and ovarian cancer; Breast and ovarian cancer; Hereditary breast and/or ovarian cancer syndrome. Identifiers: Orphanet 145, MedGen C0677776, MeSH D061325, MONDO:0003582. Disease mechanism: loss of function.

Submission:

Labcorp Genetics (formerly Invitae), Labcorp
Classification: Uncertain significance for Hereditary breast ovarian cancer syndrome. Last evaluated: 2024-03-01. Review status: criteria provided, single submitter. Criteria: Invitae Variant Classification Sherloc (09022015). Collection method: clinical testing. Allele origin: germline.
Comment: This sequence change replaces aspartic acid, which is acidic and polar, with glutamic acid, which is acidic and polar, at codon 825 of the BRCA1 protein (p.Asp825Glu). This variant is not present in population databases (gnomAD no frequency). This variant has not been reported in the literature in individuals affected with BRCA1-related conditions. Advanced modeling of protein sequence and biophysical properties (such as structural, functional, and spatial information, amino acid conservation, physicochemical variation, residue mobility, and thermodynamic stability) performed at Invitae indicates that this missense variant is not expected to disrupt BRCA1 protein function with a negative predictive value of 95%. In summary, the available evidence is currently insufficient to determine the role of this variant in disease. Therefore, it has been classified as a Variant of Uncertain Significance.

NM_007294.4(BRCA1):c.2475C>A (p.Asp825Glu)

Gene: BRCA1 (BRCA1 DNA repair associated; minus strand). Cytogenetic location: 17q21.31.
Variant type: single nucleotide variant.
Coding change: c.2475C>A on transcript NM_007294.4 (MANE Select); coding-DNA position 2475, C replaced by A.
Protein change: p.Asp825Glu; replaces aspartic acid 825 with glutamic acid.
Molecular consequence: missense variant. On other transcripts: intron variant (137).
Genome position (GRCh38, 1-based): chr17:43,093,056, G>T on the plus strand (C>A on the coding strand, the complement: BRCA1 is on the minus strand). VCF-style: chr17-43093056-G-T. GRCh37 (hg19) VCF-style: chr17-41245073-G-T.
Other names: c.2475C>A, p.Asp825Glu (NM_001407624.1, NM_001407626.1, NM_001407625.1 and 30 more transcripts); c.643+1688C>A (NM_001408468.1, NM_001408470.1, NM_001408464.1 and 3 more transcripts); c.523+1688C>A (NM_001408501.1, NM_001408500.1, NM_001408497.1 and 3 more transcripts); c.646+1688C>A (NM_001408455.1, NM_001408466.1, NM_001408452.1 and 11 more transcripts); c.2472C>A, p.Asp824Glu (NM_001407627.1, NM_001407628.1, NM_001407629.1 and 22 more transcripts); c.577+1688C>A (NM_001408513.1, NM_001408481.1, NM_001408480.1 and 9 more transcripts); c.520+1688C>A (NM_001408503.1, NM_001408505.1, NM_001408504.1); c.787+1688C>A (NM_001407973.1, NM_001407980.1, NM_001407993.1 and 17 more transcripts); and 41 more; short protein forms D698E, D737E, D757E, D778E, D798E, D799E, D822E, D697E.
Identifiers: ClinVar variation 3634669 (VCV003634669.2).